The following is an entry in ClinVar:

NM_001080467.3(MYO5B):c.4492C>G (p.Pro1498Ala)

Genes: MYO5B (myosin VB; minus strand), SNHG22 (small nucleolar RNA host gene 22; plus strand). Cytogenetic location: 18q21.1.
Variant type: single nucleotide variant.
Coding change: c.4492C>G on transcript NM_001080467.3 (MANE Select); coding-DNA position 4492, C replaced by G.
Protein change: p.Pro1498Ala; replaces proline 1498 with alanine.
Molecular consequence: missense variant.
Genome position (GRCh38, 1-based): chr18:49,843,360, G>C on the plus strand (C>G on the coding strand, the complement: MYO5B is on the minus strand). VCF-style: chr18-49843360-G-C. GRCh37 (hg19) VCF-style: chr18-47369730-G-C.
Other names: short protein forms P1498A.
Identifiers: ClinVar variation 1369719 (VCV001369719.8), dbSNP rs2144041828, ClinGen allele CA402425460.

ClinVar aggregate classification (germline): Uncertain significance (1 of 4 stars; one submission).

Allele frequency attached by ClinVar (database versions not stated): gnomAD exomes below 0.00001.
gnomAD v4.1: 2 of 1,614,176 alleles (0.00012%); highest among the groups gnomAD compares: Non-Finnish European, 0.00017%; no homozygotes.

Submission:

Labcorp Genetics (formerly Invitae), Labcorp
Classification: Uncertain significance. Last evaluated: 2023-07-10. Review status: criteria provided, single submitter. Criteria: Invitae Variant Classification Sherloc (09022015). Collection method: clinical testing. Allele origin: germline.
Comment: In summary, the available evidence is currently insufficient to determine the role of this variant in disease. Therefore, it has been classified as a Variant of Uncertain Significance. Advanced modeling of protein sequence and biophysical properties (such as structural, functional, and spatial information, amino acid conservation, physicochemical variation, residue mobility, and thermodynamic stability) performed at Invitae indicates that this missense variant is expected to disrupt MYO5B protein function. ClinVar contains an entry for this variant (Variation ID: 1369719). This variant has not been reported in the literature in individuals affected with MYO5B-related conditions. This variant is not present in population databases (gnomAD no frequency). This sequence change replaces proline, which is neutral and non-polar, with alanine, which is neutral and non-polar, at codon 1498 of the MYO5B protein (p.Pro1498Ala).